The following is an entry in ClinVar:

ClinVar aggregate classification (germline): Pathogenic. Review status: criteria provided, multiple submitters, no conflicts (2 of 4 stars). 2 submissions from 2 submitters: Pathogenic (2). Last evaluated 2023-08-04.

Conditions:
Familial thoracic aortic aneurysm and aortic dissection (TAAD). Also called: Thoracic aortic aneurysms and dissections. Identifiers: Orphanet 91387, MedGen C4707243, MONDO:0019625.
Marfan syndrome (MFS). Also called: MARFAN SYNDROME, TYPE I; Marfan syndrome type 1; Marfan's syndrome; Marfan syndrome, classic; FBN1-Related Marfan Syndrome. Identifiers: Orphanet 284963, Orphanet 558, MedGen C0024796, MONDO:0007947, OMIM 154700.

Submissions (2):

GeneDx
Classification: Pathogenic. Last evaluated: 2023-08-04. Review status: criteria provided, single submitter. Criteria: GeneDx Variant Classification Process June 2021. Collection method: clinical testing. Allele origin: germline. Affected: yes.
Comment: Affects a cysteine residue within a TGF-binding protein domain (aka TB domain or 8-Cysteine domain) and is expected to disrupt disulfide bonding within this domain; other missense substitutions that affect cysteine residues within this TGF-binding protein domain have been reported in association with various FBN1-related phenotypes, including Marfan syndrome (HGMD); Not observed at significant frequency in large population cohorts (gnomAD); In silico analysis supports that this missense variant has a deleterious effect on protein structure/function; This variant is associated with the following publications: (PMID: 9401003, 24941995, 9338581)

Labcorp Genetics (formerly Invitae), Labcorp
Classification: Pathogenic for Marfan syndrome; Familial thoracic aortic aneurysm and aortic dissection. Last evaluated: 2023-03-20. Review status: criteria provided, single submitter. Criteria: Invitae Variant Classification Sherloc (09022015). Collection method: clinical testing. Allele origin: germline.
Comment: This missense change has been observed in individual(s) with Marfan syndrome (PMID: 9338581; Invitae). This variant is not present in population databases (gnomAD no frequency). This sequence change replaces cysteine, which is neutral and slightly polar, with tryptophan, which is neutral and slightly polar, at codon 2099 of the FBN1 protein (p.Cys2099Trp). Advanced modeling of protein sequence and biophysical properties (such as structural, functional, and spatial information, amino acid conservation, physicochemical variation, residue mobility, and thermodynamic stability) performed at Invitae indicates that this missense variant is expected to disrupt FBN1 protein function. This variant affects a cysteine residue in the EGF-like, TGFBP or hybrid motif domains of FBN1. Cysteine residues are believed to be involved in intramolecular disulfide bridges and have been shown to be important for FBN1 protein structure (PMID: 16905551, 19349279). In addition, missense substitutions affecting cysteine residues within these domains are significantly overrepresented among patients with Marfan syndrome (PMID: 16571647, 17701892). ClinVar contains an entry for this variant (Variation ID: 2137682). For these reasons, this variant has been classified as Pathogenic. This variant disrupts the p.Cys2099 amino acid residue in FBN1. Other variant(s) that disrupt this residue have been observed in individuals with FBN1-related conditions (PMID: 19293843, 21907952, 33483584), which suggests that this may be a clinically significant amino acid residue.

Literature cited by the submitters: PubMed 9338581 (cited by Labcorp Genetics (formerly Invitae), Labcorp); PubMed 16905551 (cited by Labcorp Genetics (formerly Invitae), Labcorp); PubMed 19349279 (cited by Labcorp Genetics (formerly Invitae), Labcorp); PubMed 16571647 (cited by Labcorp Genetics (formerly Invitae), Labcorp); PubMed 17701892 (cited by Labcorp Genetics (formerly Invitae), Labcorp); PubMed 19293843 (cited by Labcorp Genetics (formerly Invitae), Labcorp); PubMed 21907952 (cited by Labcorp Genetics (formerly Invitae), Labcorp); PubMed 33483584 (cited by Labcorp Genetics (formerly Invitae), Labcorp).

NM_000138.5(FBN1):c.6297C>G (p.Cys2099Trp)

Gene: FBN1 (fibrillin 1; minus strand). Cytogenetic location: 15q21.1.
Variant type: single nucleotide variant.
Coding change: c.6297C>G on transcript NM_000138.5 (MANE Select); coding-DNA position 6297, C replaced by G.
Protein change: p.Cys2099Trp; replaces cysteine 2099 with tryptophan.
Molecular consequence: missense variant.
Genome position (GRCh38, 1-based): chr15:48,437,784, G>C on the plus strand (C>G on the coding strand, the complement: FBN1 is on the minus strand). VCF-style: chr15-48437784-G-C. GRCh37 (hg19) VCF-style: chr15-48729981-G-C.
Other names: c.6297C>G, p.Cys2099Trp (NM_001406716.1); short protein forms C2099W.
Identifiers: ClinVar variation 2137682 (VCV002137682.5), dbSNP rs2505438487, ClinGen allele CA392336918.